The following is an entry in ClinVar:

NM_001267550.2(TTN):c.94450_94461delinsGAATATCA (p.Tyr31484fs)

Genes: TTN (titin; minus strand), TTN-AS1 (TTN antisense RNA 1; plus strand). Cytogenetic location: 2q31.2.
Variant type: Indel.
Coding change: c.94450_94461delinsGAATATCA on transcript NM_001267550.2 (MANE Select); coding-DNA positions 94450 to 94461, TATGCACTCAAT replaced by GAATATCA.
Protein change: p.Tyr31484fs; shifts the reading frame from tyrosine 31484.
Molecular consequence: frameshift variant.
Genome position (GRCh38, 1-based): chr2:178,547,064-178,547,075, ATTGAGTGCATA replaced by TGATATTC on the plus strand (TATGCACTCAAT replaced by GAATATCA on the coding strand, the reverse complement: TTN is on the minus strand). VCF-style: chr2-178547064-ATTGAGTGCATA-TGATATTC. GRCh37 (hg19) VCF-style: chr2-179411791-ATTGAGTGCATA-TGATATTC.
Other names: c.89527_89538delinsGAATATCA, p.Tyr29843fs (NM_001256850.1); c.67255_67266delinsGAATATCA, p.Tyr22419fs (NM_003319.4); c.86746_86757delinsGAATATCA, p.Tyr28916fs (NM_133378.4); c.67630_67641delinsGAATATCA, p.Tyr22544fs (NM_133432.3); c.67831_67842delinsGAATATCA, p.Tyr22611fs (NM_133437.4); c.67255_67266del12insGAATATCA (NM_003319.4); short protein forms Y22419fs, Y22544fs, Y31484fs, Y29843fs, Y28916fs, Y22611fs.
Identifiers: ClinVar variation 4193692 (VCV004193692.1).

ClinVar aggregate classification (germline): Likely pathogenic (1 of 4 stars; one submission).

Conditions:
Cardiovascular phenotype. Identifiers: MedGen CN230736.

Submission:

Ambry Genetics
Classification: Likely pathogenic for Cardiovascular phenotype. Last evaluated: 2025-06-16. Review status: criteria provided, single submitter. Criteria: Ambry Variant Classification Scheme 2023. Collection method: clinical testing. Allele origin: germline.
Comment: The c.67255_67266del12insGAATATCA variant, located in coding exon 167 of the TTN gene, results from the deletion of 12 nucleotides and insertion of 8 nucleotides causing a translational frameshift with a predicted alternate stop codon (p.Y22419Efs*17). This exon is located in the A-band region of the N2-B isoform of the titin protein and is constitutively expressed in TTN transcripts (percent spliced in or PSI 100%). This variant is considered to be rare based on population cohorts in the Genome Aggregation Database (gnomAD). This variant is expected to result in loss of function by premature protein truncation or nonsense-mediated mRNA decay. While truncating variants in TTN are present in 1-3% of the general population, truncating variants in the A-band are the most common cause of dilated cardiomyopathy (Herman DS et al. N. Engl. J. Med., 2012 Feb;366:619-28; Roberts AM et al. Sci Transl Med, 2015 Jan;7:270ra6). TTN truncating variants encoded in constitutive exons (PSI >90%) have been found to be significantly associated with DCM regardless of their position in titin (Schafer S et al. Nat. Genet., 2017 01;49:46-53; Akhtar MM et al. Circ Heart Fail, 2020 Oct;13:e006832; Massier M et al. Clin Genet, 2025 Jan). Based on the majority of available evidence to date, this variant is likely to be pathogenic.